The following is an entry in ClinVar:

NM_001330260.2(SCN8A):c.5577C>T (p.Ser1859=)

Gene: SCN8A (sodium voltage-gated channel alpha subunit 8; plus strand). Cytogenetic location: 12q13.13.
Variant type: single nucleotide variant.
Coding change: c.5577C>T on transcript NM_001330260.2 (MANE Select); coding-DNA position 5577, C replaced by T.
Protein change: p.Ser1859=; no amino-acid change (serine 1859 retained).
Molecular consequence: synonymous variant.
Genome position (GRCh38, 1-based): chr12:51,807,063, C>T. VCF-style: chr12-51807063-C-T. GRCh37 (hg19) VCF-style: chr12-52200847-C-T.
Other names: c.5454C>T, p.Ser1818= (NM_001177984.3, NM_001369788.1); c.5577C>T, p.Ser1859= (NM_014191.4).
Identifiers: ClinVar variation 287555 (VCV000287555.43), dbSNP rs185667241, ClinGen allele CA6571930.
Genomic context (GRCh38, chr12:51,807,063, plus strand): 5'-GGATCGCATCCACTGCTTGGACATCCTTTTTGCCTTCACCAAGCGGGTCCTGGGAGATAG[C>T]GGGGAGTTGGACATCCTGCGGCAGCAGATGGAAGAGCGGTTCGTGGCATCCAATCCTTCC-3'
Protein context (NP_001317189.1, residues 1849-1869): FAFTKRVLGD[Ser1859=]GELDILRQQM

ClinVar aggregate classification (germline): Conflicting classifications of pathogenicity. Review status: criteria provided, conflicting classifications (1 of 4 stars). 4 submissions from 4 submitters: Uncertain significance (1); Benign (1); Likely benign (2). Last evaluated 2026-01-21.

Conditions:
Early-infantile DEE. Also called: Early infantile epileptic encephalopathy with suppression bursts; Early infantile epileptic encephalopathy; Ohtahara syndrome. Identifiers: Orphanet 1934, MedGen C0393706, MONDO:0800491.

Allele frequency attached by ClinVar (database versions not stated): gnomAD exomes 0.00004 and 0.00008; ExAC 0.00007; ESP Exome Variant Server 0.00016; gnomAD 0.00024 and 0.00026; TOPMed 0.00029; 1000 Genomes Project 30x 0.00078; 1000 Genomes Project 0.00080.
gnomAD v4.1: 95 of 1,613,932 alleles (0.0059%); highest among the groups gnomAD compares: African/African-American, 0.1%; no homozygotes.

Submissions (4):

Labcorp Genetics (formerly Invitae), Labcorp
Classification: Likely benign for Early-infantile DEE. Last evaluated: 2026-01-21. Review status: criteria provided, single submitter. Criteria: Invitae Variant Classification Sherloc (09022015). Collection method: clinical testing. Allele origin: germline.

CeGaT Center for Human Genetics Tuebingen
Classification: Likely benign. Last evaluated: 2023-05-01. Review status: criteria provided, single submitter. Criteria: CeGaT Center For Human Genetics Tuebingen Variant Classification Criteria Version 2. Collection method: clinical testing. Allele origin: germline. Affected: yes. Observed: 1 variant allele.
Comment: SCN8A: BP4, BP7

GeneDx
Classification: Benign. Last evaluated: 2021-06-01. Review status: criteria provided, single submitter. Criteria: GeneDx Variant Classification Process June 2021. Collection method: clinical testing. Allele origin: germline. Affected: yes.

Eurofins Ntd Llc (ga)
Classification: Uncertain significance. Last evaluated: 2017-05-05. Review status: criteria provided, single submitter. Criteria: EGL Classification Definitions 2015. Collection method: clinical testing. Allele origin: germline. Observed: 2 variant alleles, 2 heterozygotes.